The following is an entry in ClinVar:

ClinVar aggregate classification (germline): Uncertain significance (1 of 4 stars; one submission).

Submission:

Labcorp Genetics (formerly Invitae), Labcorp
Classification: Uncertain significance. Last evaluated: 2025-01-20. Review status: criteria provided, single submitter. Criteria: Invitae Variant Classification Sherloc (09022015). Collection method: clinical testing. Allele origin: germline.
Comment: This sequence change replaces asparagine, which is neutral and polar, with histidine, which is basic and polar, at codon 498 of the CEP97 protein (p.Asn498His). This variant is not present in population databases (gnomAD no frequency). This variant has not been reported in the literature in individuals affected with CEP97-related conditions. ClinVar contains an entry for this variant (Variation ID: 2876531). Invitae Evidence Modeling of protein sequence and biophysical properties (such as structural, functional, and spatial information, amino acid conservation, physicochemical variation, residue mobility, and thermodynamic stability) indicates that this missense variant is not expected to disrupt CEP97 protein function with a negative predictive value of 80%. In summary, the available evidence is currently insufficient to determine the role of this variant in disease. Therefore, it has been classified as a Variant of Uncertain Significance.

NM_024548.4(CEP97):c.1492A>C (p.Asn498His)

Gene: CEP97 (centrosomal protein 97; plus strand). Cytogenetic location: 3q12.3.
Variant type: single nucleotide variant.
Coding change: c.1492A>C on transcript NM_024548.4 (MANE Select); coding-DNA position 1492, A replaced by C.
Protein change: p.Asn498His; replaces asparagine 498 with histidine.
Molecular consequence: missense variant.
Genome position (GRCh38, 1-based): chr3:101,758,098, A>C. VCF-style: chr3-101758098-A-C. GRCh37 (hg19) VCF-style: chr3-101476942-A-C.
Other names: c.1315A>C, p.Asn439His (NM_001303401.2); c.1390A>C, p.Asn464His (NM_001410784.1); c.1213A>C, p.Asn405His (NM_001410785.1); short protein forms N464H, N439H, N498H, N405H.
Identifiers: ClinVar variation 2876531 (VCV002876531.3), dbSNP rs2545846336, ClinGen allele CA353877707.